The following is an entry in ClinVar:

NM_001039141.3(TRIOBP):c.6498C>T (p.Tyr2166=)

Gene: TRIOBP (TRIO and F-actin binding protein; plus strand). Cytogenetic location: 22q13.1.
Variant type: single nucleotide variant.
Coding change: c.6498C>T on transcript NM_001039141.3 (MANE Select); coding-DNA position 6498, C replaced by T.
Protein change: p.Tyr2166=; no amino-acid change (tyrosine 2166 retained).
Molecular consequence: synonymous variant.
Genome position (GRCh38, 1-based): chr22:37,768,099, C>T. VCF-style: chr22-37768099-C-T. GRCh37 (hg19) VCF-style: chr22-38164106-C-T.
Other names: p.Tyr2166=; c.1359C>T, p.Tyr453= (NM_007032.5).
Identifiers: ClinVar variation 43866 (VCV000043866.20), dbSNP rs4821708, ClinGen allele CA133054.

ClinVar aggregate classification (germline): Benign. Review status: criteria provided, multiple submitters, no conflicts (2 of 4 stars). 8 submissions from 8 submitters: Benign (6). 2 of the submissions do not count toward it. Last evaluated 2026-02-03.

Allele frequency attached by ClinVar (database versions not stated): ESP Exome Variant Server 0.23142; 1000 Genomes Project 30x 0.25874; 1000 Genomes Project 0.26478; TOPMed 0.23807; gnomAD 0.24140 and 0.24971; gnomAD exomes 0.30789 and 0.31452; ExAC 0.32790.
gnomAD v4.1: 487,259 of 1,611,854 alleles (30%); highest among the groups gnomAD compares: South Asian, 40%; 77,257 homozygotes.

Submissions (8):

Labcorp Genetics (formerly Invitae), Labcorp
Classification: Benign. Last evaluated: 2026-02-03. Review status: criteria provided, single submitter. Criteria: Invitae Variant Classification Sherloc (09022015). Collection method: clinical testing. Allele origin: germline.

Mayo Clinic Laboratories, Mayo Clinic
Classification: Benign. Last evaluated: 2020-10-20. Review status: criteria provided, single submitter. Criteria: ACMG Guidelines, 2015. Collection method: clinical testing. Allele origin: germline. Observed: 90 variant alleles.

GeneDx
Classification: Benign. Last evaluated: 2017-05-09. Review status: criteria provided, single submitter. Criteria: GeneDx Variant Classification (06012015). Collection method: clinical testing. Allele origin: germline. Affected: yes.
Comment: This variant is considered likely benign or benign based on one or more of the following criteria: it is a conservative change, it occurs at a poorly conserved position in the protein, it is predicted to be benign by multiple in silico algorithms, and/or has population frequency not consistent with disease.

Laboratory for Molecular Medicine, Mass General Brigham Personalized Medicine
Classification: Benign. Last evaluated: 2012-05-07. Review status: criteria provided, single submitter. Criteria: LMM Criteria. Collection method: clinical testing. Allele origin: germline. Observed: 790 variant alleles.
Comment: "Tyr2166Tyr in Exon 19 of TRIOBP: This variant is not expected to have clinical significance because it does not alter an amino acid residue, is not located wit hin the splice consensus sequence, and has been identified in 30.4% (2057/6762) of European American chromosomes from a broad population by the NHLBI Exome Sequ encing Project (dbSNP rs4821708)."

Breakthrough Genomics
Classification: Benign. Review status: criteria provided, single submitter. Criteria: ACMG Guidelines, 2015. Collection method: not provided. Allele origin: germline. Inheritance: Autosomal recessive inheritance. Affected: yes.

PreventionGenetics, part of Exact Sciences
Classification: Benign. Review status: criteria provided, single submitter. Criteria: ACMG Guidelines, 2015. Collection method: clinical testing. Allele origin: germline.

Diagnostic Laboratory, Department of Genetics, University Medical Center Groningen
Classification: Benign. Review status: no assertion criteria provided. Collection method: clinical testing. Allele origin: germline. Affected: yes. Study: VKGL Data-share Consensus. Not counted in ClinVar's aggregate classification.

Joint Genome Diagnostic Labs from Nijmegen and Maastricht, Radboudumc and MUMC+
Classification: Benign. Review status: no assertion criteria provided. Collection method: clinical testing. Allele origin: germline. Affected: yes. Study: VKGL Data-share Consensus. Not counted in ClinVar's aggregate classification.